The following is an entry in ClinVar:

ClinVar aggregate classification (germline): Conflicting classifications of pathogenicity. Review status: criteria provided, conflicting classifications (1 of 4 stars). 7 submissions from 7 submitters: Uncertain significance (1); Likely benign (4). 2 of the submissions do not count toward it. Last evaluated 2026-01-19.

Conditions:
Glycogen storage disease, type II (IOPD). Also called: CARDIOMEGALIA GLYCOGENICA DIFFUSA; Glycogen storage disease type 2; Acid maltase deficiency disease; Aglucosidase alfa; Deficiency of alpha-glucosidase; Deficiency of lysosomal alpha-glucosidase. Identifiers: Orphanet 365, MedGen C0017921, MONDO:0009290, OMIM 232300.
GAA-related disorder. Also called: GAA-related condition.

Allele frequency attached by ClinVar (database versions not stated): gnomAD exomes 0.00002 and 0.00006; ExAC 0.00011; gnomAD 0.00017 and 0.00020; TOPMed 0.00025; ESP Exome Variant Server 0.00032.

Submissions (7):

Labcorp Genetics (formerly Invitae), Labcorp
Classification: Likely benign for Glycogen storage disease, type II. Last evaluated: 2026-01-19. Review status: criteria provided, single submitter. Criteria: Invitae Variant Classification Sherloc (09022015). Collection method: clinical testing. Allele origin: germline.

Women's Health and Genetics/Laboratory Corporation of America, LabCorp
Classification: Likely benign. Last evaluated: 2024-12-19. Review status: criteria provided, single submitter. Criteria: LabCorp Variant Classification Summary - May 2015. Collection method: clinical testing. Allele origin: germline.
Comment: Variant summary: GAA c.1888+10_1888+11insC alters a non-conserved nucleotide located at a position not widely known to affect splicing. Consensus agreement among computation tools predict no significant impact on normal splicing. However, these predictions have yet to be confirmed by functional studies. This frequency is not significantly higher than estimated for a pathogenic variant in GAA causing Glycogen Storage Disease, Type 2 (Pompe Disease) (6.3e-05 vs 0.0042), allowing no conclusion about variant significance. To our knowledge, no occurrence of c.1888+10_1888+11insC in individuals affected with Glycogen Storage Disease, Type 2 (Pompe Disease) and no experimental evidence demonstrating its impact on protein function have been reported. ClinVar contains an entry for this variant (Variation ID: 422879). Based on the evidence outlined above, the variant was classified as likely benign.

Blueprint Genetics
Classification: Likely benign. Last evaluated: 2022-10-14. Review status: criteria provided, single submitter. Criteria: ACMG Guidelines, 2015. Collection method: clinical testing. Allele origin: germline.

Eurofins Ntd Llc (ga)
Classification: Uncertain significance. Last evaluated: 2017-06-23. Review status: criteria provided, single submitter. Criteria: EGL Classification Definitions 2015. Collection method: clinical testing. Allele origin: germline. Observed: 1 variant allele, 1 heterozygote.

GeneDx
Classification: Likely benign. Last evaluated: 2016-12-23. Review status: criteria provided, single submitter. Criteria: GeneDx Variant Classification (06012015). Collection method: clinical testing. Allele origin: germline. Affected: yes.
Comment: This variant is considered likely benign or benign based on one or more of the following criteria: it is a conservative change, it occurs at a poorly conserved position in the protein, it is predicted to be benign by multiple in silico algorithms, and/or has population frequency not consistent with disease.

PreventionGenetics, part of Exact Sciences
Classification: Likely benign for GAA-related condition. Last evaluated: 2022-01-04. Review status: no assertion criteria provided. Collection method: clinical testing. Allele origin: germline. Not counted in ClinVar's aggregate classification.
Comment: This variant is classified as likely benign based on ACMG/AMP sequence variant interpretation guidelines (Richards et al. 2015 PMID: 25741868, with internal and published modifications).

Mayo Clinic Laboratories, Mayo Clinic
Classification: Likely benign. Last evaluated: 2017-05-17. Review status: no assertion criteria provided. Collection method: clinical testing. Allele origin: unknown. Not counted in ClinVar's aggregate classification.

NM_000152.5(GAA):c.1888+10_1888+11insC

Gene: GAA (alpha glucosidase; plus strand). Cytogenetic location: 17q25.3.
Variant type: Insertion.
Coding change: c.1888+10_1888+11insC on transcript NM_000152.5 (MANE Select); bases 10 to 11 of the intron after coding-DNA position 1888, C inserted.
Molecular consequence: intron variant.
Genome position: GRCh38 VCF-style: chr17-80112721-T-TC. GRCh37 (hg19) VCF-style: chr17-78086520-T-TC.
Other names: c.1888+10_1888+11insC (LRG_673t1, NM_001079803.3, NM_001079804.3).
Identifiers: ClinVar variation 422879 (VCV000422879.21), dbSNP rs748036956, ClinGen allele CA8815515.